The following is an entry in ClinVar:

NM_001001344.3(ATP2B3):c.3647_3653del (p.Val1216fs)

Gene: ATP2B3 (ATPase plasma membrane Ca2+ transporting 3; plus strand). Cytogenetic location: Xq28.
Variant type: Deletion.
Coding change: c.3647_3653del on transcript NM_001001344.3 (MANE Select); coding-DNA positions 3647 to 3653, 7 bases deleted (TGGAGAC; older notation c.3647_3653delTGGAGAC).
Protein change: p.Val1216fs; shifts the reading frame from valine 1216.
Molecular consequence: frameshift variant. On other transcripts: 3 prime UTR variant (2).
Genome position (GRCh38, 1-based): chrX:153,580,282-153,580,288, TGGAGAC deleted. VCF-style (leftmost placement, unchanged base first): chrX-153580281-GTGGAGAC-G. GRCh37 (hg19) VCF-style: chrX-152845739-GTGGAGAC-G.
Other names: c.3647_3653del7 (NM_001001344.2); c.*279_*285del (NM_001388360.1, NM_021949.4); c.3647_3653del, p.Val1216fs (NM_001388361.1); short protein forms V1216fs.
Identifiers: ClinVar variation 4953281 (VCV004953281.2).
Genomic context (GRCh38, chrX:153,580,281, plus strand): 5'-GTCACCAAGTCAGCTACCTCTTCAGTGTTTTCCTCCAGTCCCGGGAGCCCGCTCCACAGC[GTGGAGAC>G]GTCCCTCTAACAAGAACTTGTCTCAGCACATGCGCACACGCACACTCGGACTCACACGAA-3'

ClinVar aggregate classification (germline): Conflicting classifications of pathogenicity. Review status: criteria provided, conflicting classifications (1 of 4 stars). 2 submissions from 2 submitters: Uncertain significance (1); Likely benign (1). Last evaluated 2025-04-21.

Conditions:
ATP2B3-related disorder. Also called: ATP2B3-related condition.

Submissions (2):

PreventionGenetics, part of Exact Sciences
Classification: Likely benign for ATP2B3-related condition. Last evaluated: 2025-04-21. Review status: criteria provided, single submitter. Criteria: ACMG Guidelines, 2015. Collection method: clinical testing. Allele origin: germline.
Comment: This variant is classified as likely benign based on ACMG/AMP sequence variant interpretation guidelines (Richards et al. 2015 PMID: 25741868, with internal and published modifications).

Blueprint Genetics
Classification: Uncertain significance. Last evaluated: 2024-03-20. Review status: criteria provided, single submitter. Criteria: ACMG Guidelines, 2015. Collection method: clinical testing. Allele origin: germline.